The following is an entry in ClinVar:

ClinVar aggregate classification (germline): Benign/Likely benign. Review status: criteria provided, multiple submitters, no conflicts (2 of 4 stars). 6 submissions from 6 submitters: Benign (1); Likely benign (4). 1 of the submissions does not count toward it. Last evaluated 2026-01-22.

Conditions:
TBX1-related disorder. Also called: TBX1-Related Disorders; TBX1-related condition.
DiGeorge syndrome. Also called: Catch22; THIRD AND FOURTH PHARYNGEAL POUCH SYNDROME. Identifiers: Orphanet 567, MedGen C0012236, MONDO:0008564, OMIM 188400.
Cardiovascular phenotype. Identifiers: MedGen CN230736.

Submissions (6):

Labcorp Genetics (formerly Invitae), Labcorp
Classification: Benign for DiGeorge syndrome. Last evaluated: 2026-01-22. Review status: criteria provided, single submitter. Criteria: Invitae Variant Classification Sherloc (09022015). Collection method: clinical testing. Allele origin: germline.

CeGaT Center for Human Genetics Tuebingen
Classification: Likely benign. Last evaluated: 2025-04-01. Review status: criteria provided, single submitter. Criteria: CeGaT Center For Human Genetics Tuebingen Variant Classification Criteria Version 2. Collection method: clinical testing. Allele origin: germline. Affected: yes. Observed: 1 variant allele.
Comment: TBX1: BS1

Blueprint Genetics
Classification: Likely benign. Last evaluated: 2024-10-31. Review status: criteria provided, single submitter. Criteria: ACMG Guidelines, 2015. Collection method: clinical testing. Allele origin: germline.

GeneDx
Classification: Likely benign. Last evaluated: 2022-06-13. Review status: criteria provided, single submitter. Criteria: GeneDx Variant Classification Process June 2021. Collection method: clinical testing. Allele origin: germline. Affected: yes.
Comment: See Variant Classification Assertion Criteria.

Ambry Genetics
Classification: Likely benign for Cardiovascular phenotype. Last evaluated: 2017-12-29. Review status: criteria provided, single submitter. Criteria: Ambry Variant Classification Scheme 2023. Collection method: clinical testing. Allele origin: germline.

PreventionGenetics, part of Exact Sciences
Classification: Likely benign for TBX1-related condition. Last evaluated: 2023-08-11. Review status: no assertion criteria provided. Collection method: clinical testing. Allele origin: germline. Not counted in ClinVar's aggregate classification.
Comment: This variant is classified as likely benign based on ACMG/AMP sequence variant interpretation guidelines (Richards et al. 2015 PMID: 25741868, with internal and published modifications).

NM_001379200.1(TBX1):c.215CGC[6] (p.Pro76dup)

Gene: TBX1 (T-box transcription factor 1; plus strand). Cytogenetic location: 22q11.21.
Variant type: Microsatellite.
Coding change: c.215CGC[6] on transcript NM_001379200.1 (MANE Select); six copies in a row of the 3-base unit CGC starting at c.215; the reference has five copies in a row; one copy, 3 bases duplicated.
Protein change: p.Pro76dup; duplicates proline 76.
Molecular consequence: inframe insertion.
Genome position (GRCh38, 1-based): chr22:19,761,070-19,761,072, CGC duplicated; duplicating any 3 consecutive bases within chr22:19,761,057-19,761,072 gives the same sequence; the position shown is the placement nearest the transcript's 3' end. VCF-style (leftmost placement, unchanged base first): chr22-19761056-C-CCCG. GRCh37 (hg19) VCF-style: chr22-19748579-C-CCCG.
Other names: c.200_202dup (NM_080647.1); c.200_202dupCGC (NM_080647.1); c.188CGC[6], p.Pro67dup (NM_005992.1, NM_080646.2, NM_080647.1).
Identifiers: ClinVar variation 704603 (VCV000704603.30), dbSNP rs1009463279, ClinGen allele CA322051996.